The following is an entry in ClinVar:

ClinVar aggregate classification (germline): Uncertain significance (1 of 4 stars; one submission).

Conditions:
Ehlers-Danlos syndrome, classic type, 1 (EDSCL1). Also called: EHLERS-DANLOS SYNDROME, GRAVIS TYPE; EHLERS-DANLOS SYNDROME, SEVERE CLASSIC TYPE; Ehlers-Danlos syndrome, type 1; Ehlers-Danlos Syndrome, Classic Type, COL5A1-Related; EDS I. Identifiers: MedGen C0268335, MONDO:0019567, OMIM 130000.
Osteogenesis imperfecta type I (OI1). Also called: OI, TYPE I; OSTEOGENESIS IMPERFECTA TARDA; OSTEOGENESIS IMPERFECTA WITH BLUE SCLERAE; Osteogenesis imperfecta type 1; Lobstein's Disease; Lobstein disease. Identifiers: Orphanet 216796, Orphanet 666, MedGen C0023931, MONDO:0008146, OMIM 166200. Disease mechanism: loss of function.

Submission:

Labcorp Genetics (formerly Invitae), Labcorp
Classification: Uncertain significance for Osteogenesis imperfecta type I; Ehlers-Danlos syndrome, classic type, 1. Last evaluated: 2024-02-25. Review status: criteria provided, single submitter. Criteria: Invitae Variant Classification Sherloc (09022015). Collection method: clinical testing. Allele origin: germline.
Comment: This sequence change falls in intron 17 of the COL1A2 gene. It does not directly change the encoded amino acid sequence of the COL1A2 protein. It affects a nucleotide within the consensus splice site. This variant is not present in population databases (gnomAD no frequency). This variant has not been reported in the literature in individuals affected with COL1A2-related conditions. Variants that disrupt the consensus splice site are a relatively common cause of aberrant splicing (PMID: 17576681, 9536098). Algorithms developed to predict the effect of sequence changes on RNA splicing suggest that this variant is not likely to affect RNA splicing. In summary, the available evidence is currently insufficient to determine the role of this variant in disease. Therefore, it has been classified as a Variant of Uncertain Significance.

Literature cited by the submitters: PubMed 17576681; PubMed 9536098.

NM_000089.4(COL1A2):c.891+3A>G

Gene: COL1A2 (collagen type I alpha 2 chain; plus strand). Cytogenetic location: 7q21.3.
Variant type: single nucleotide variant.
Coding change: c.891+3A>G on transcript NM_000089.4 (MANE Select); 3 bases into the intron after coding-DNA position 891, A replaced by G.
Molecular consequence: intron variant.
Genome position (GRCh38, 1-based): chr7:94,409,423, A>G. VCF-style: chr7-94409423-A-G. GRCh37 (hg19) VCF-style: chr7-94038735-A-G.
Identifiers: ClinVar variation 3750376 (VCV003750376.2).